The following is an entry in ClinVar:

ClinVar aggregate classification (germline): Uncertain significance (1 of 4 stars; one submission).

Submission:

Labcorp Genetics (formerly Invitae), Labcorp
Classification: Uncertain significance. Last evaluated: 2025-01-13. Review status: criteria provided, single submitter. Criteria: Invitae Variant Classification Sherloc (09022015). Collection method: clinical testing. Allele origin: germline.
Comment: This sequence change replaces alanine, which is neutral and non-polar, with valine, which is neutral and non-polar, at codon 2739 of the USH2A protein (p.Ala2739Val). This variant is not present in population databases (gnomAD no frequency). This variant has not been reported in the literature in individuals affected with USH2A-related conditions. ClinVar contains an entry for this variant (Variation ID: 1356610). Invitae Evidence Modeling of protein sequence and biophysical properties (such as structural, functional, and spatial information, amino acid conservation, physicochemical variation, residue mobility, and thermodynamic stability) indicates that this missense variant is not expected to disrupt USH2A protein function with a negative predictive value of 95%. In summary, the available evidence is currently insufficient to determine the role of this variant in disease. Therefore, it has been classified as a Variant of Uncertain Significance.

NM_206933.4(USH2A):c.8216C>T (p.Ala2739Val)

Gene: USH2A (usherin; minus strand). Cytogenetic location: 1q41.
Variant type: single nucleotide variant.
Coding change: c.8216C>T on transcript NM_206933.4 (MANE Select); coding-DNA position 8216, C replaced by T.
Protein change: p.Ala2739Val; replaces alanine 2739 with valine.
Molecular consequence: missense variant.
Genome position (GRCh38, 1-based): chr1:215,888,433, G>A on the plus strand (C>T on the coding strand, the complement: USH2A is on the minus strand). VCF-style: chr1-215888433-G-A. GRCh37 (hg19) VCF-style: chr1-216061775-G-A.
Other names: short protein forms A2739V.
Identifiers: ClinVar variation 1356610 (VCV001356610.7), dbSNP rs2102459901, ClinGen allele CA344838346.